The following is an entry in ClinVar:

NM_003738.5(PTCH2):c.2185G>T (p.Ala729Ser)

Gene: PTCH2 (patched 2; minus strand). Cytogenetic location: 1p34.1.
Variant type: single nucleotide variant.
Coding change: c.2185G>T on transcript NM_003738.5 (MANE Select); coding-DNA position 2185, G replaced by T.
Protein change: p.Ala729Ser; replaces alanine 729 with serine.
Molecular consequence: missense variant.
Genome position (GRCh38, 1-based): chr1:44,827,588, C>A on the plus strand (G>T on the coding strand, the complement: PTCH2 is on the minus strand). VCF-style: chr1-44827588-C-A. GRCh37 (hg19) VCF-style: chr1-45293260-C-A.
Other names: c.2185G>T, p.Ala729Ser (NM_001166292.2); short protein forms A729S.
Identifiers: ClinVar variation 2191752 (VCV002191752.4), dbSNP rs765415578, ClinGen allele CA823087.

ClinVar aggregate classification (germline): Uncertain significance (1 of 4 stars; one submission).

Conditions:
Gorlin syndrome. Also called: Nevoid Basal Cell Carcinoma Syndrome; Basal cell nevus syndrome. Identifiers: Orphanet 377, MedGen C0004779, MONDO:0007187.

gnomAD v4.1: 26 of 1,613,948 alleles (0.0016%); highest among the groups gnomAD compares: African/African-American, 0.0027%; no homozygotes.

Submission:

Labcorp Genetics (formerly Invitae), Labcorp
Classification: Uncertain significance for Gorlin syndrome. Last evaluated: 2022-10-04. Review status: criteria provided, single submitter. Criteria: Invitae Variant Classification Sherloc (09022015). Collection method: clinical testing. Allele origin: germline.
Comment: In summary, the available evidence is currently insufficient to determine the role of this variant in disease. Therefore, it has been classified as a Variant of Uncertain Significance. Advanced modeling of protein sequence and biophysical properties (such as structural, functional, and spatial information, amino acid conservation, physicochemical variation, residue mobility, and thermodynamic stability) has been performed at Invitae for this missense variant, however the output from this modeling did not meet the statistical confidence thresholds required to predict the impact of this variant on PTCH2 protein function. This variant has not been reported in the literature in individuals affected with PTCH2-related conditions. This variant is present in population databases (rs765415578, gnomAD 0.007%). This sequence change replaces alanine, which is neutral and non-polar, with serine, which is neutral and polar, at codon 729 of the PTCH2 protein (p.Ala729Ser).